The following is an entry in ClinVar:

ClinVar aggregate classification (germline): Likely pathogenic (1 of 4 stars; one submission).

Conditions:
Hiatt-Neu-Cooper neurodevelopmental syndrome. Identifiers: MedGen C5543338, MONDO:0859142, OMIM 619311.

Submission:

3billion
Classification: Likely pathogenic for Hiatt-Neu-Cooper neurodevelopmental syndrome. Last evaluated: 2021-10-02. Review status: criteria provided, single submitter. Criteria: ACMG Guidelines, 2015. Collection method: clinical testing. Allele origin: unknown. Affected: yes. Observed: 1 heterozygote.
Comment: Frameshift: predicted to result in a loss or disruption of normal protein function through nonsense-mediated decay (NMD) or protein truncation. Multiple pathogenic variants are reported downstream of the variant (PVS1_VS). It is not observed in the gnomAD v2.1.1 dataset (PM2). Therefore, this variant is classified as likely pathogenic according to the recommendation of ACMG/AMP guideline.

NM_005402.4(RALA):c.404_429dup (p.Asn144delinsAspArgPheLeuTer)

Gene: RALA (RAS like proto-oncogene A; plus strand). Cytogenetic location: 7p14.1.
Variant type: Duplication.
Coding change: c.404_429dup on transcript NM_005402.4 (MANE Select); coding-DNA positions 404 to 429, 26 bases duplicated (GACAGGTTTCTGTAGAAGAGGCAAAA).
Protein change: p.Asn144delinsAspArgPheLeuTer.
Molecular consequence: nonsense.
Genome position (GRCh38, 1-based): chr7:39,696,765-39,696,790, GACAGGTTTCTGTAGAAGAGGCAAAA duplicated; duplicating any 26 consecutive bases within chr7:39,696,761-39,696,790 gives the same sequence; the c. name uses the placement nearest the transcript's 3' end. VCF-style (leftmost placement, unchanged base first): chr7-39696760-T-TAAAAGACAGGTTTCTGTAGAAGAGGC. GRCh37 (hg19) VCF-style: chr7-39736359-T-TAAAAGACAGGTTTCTGTAGAAGAGGC.
Identifiers: ClinVar variation 1320180 (VCV001320180.1), dbSNP rs2116098682, ClinGen allele CA2573052870.
Genomic context (GRCh38, chr7:39,696,760, plus strand): 5'-AGTAAAAGAAGATGAGAATGTTCCATTTCTACTGGTTGGTAACAAATCAGATTTAGAAGA[T>TAAAAGACAGGTTTCTGTAGAAGAGGC]AAAAGACAGGTTTCTGTAGAAGAGGCAAAAAACAGAGCTGAGCAGTGGAATGTTAACTAC-3'